The following is an entry in ClinVar:

NM_014629.4(ARHGEF10):c.2698-7G>A

Gene: ARHGEF10 (Rho guanine nucleotide exchange factor 10; plus strand). Cytogenetic location: 8p23.3.
Variant type: single nucleotide variant.
Coding change: c.2698-7G>A on transcript NM_014629.4 (MANE Select); 7 bases into the intron before coding-DNA position 2698, G replaced by A.
Molecular consequence: intron variant.
Genome position (GRCh38, 1-based): chr8:1,928,420, G>A. VCF-style: chr8-1928420-G-A. GRCh37 (hg19) VCF-style: chr8-1876586-G-A.
Other names: c.2581-7G>A (NM_001438092.1, NM_001438093.1); c.2701-7G>A (NM_001438091.1); c.2584-7G>A (NM_001308152.2, NM_001438094.1); c.2698-7G>A (NM_001308153.3, NM_014629.3).
Identifiers: ClinVar variation 1583134 (VCV001583134.35), dbSNP rs200872223, ClinGen allele CA4601044.
Genomic context (GRCh38, chr8:1,928,420, plus strand): 5'-GGTTCCAGCGTATTATGGAAGCCGCCACATGGTCGTTTTCTTCTTTCCTCCTAATTCTCT[G>A]ATTCAGATCGGAAGTTGCACCCATCAAATGGGTCAGATTGCCATCGTCTCGTTTCAAAAT-3'

ClinVar aggregate classification (germline): Likely benign. Review status: criteria provided, multiple submitters, no conflicts (2 of 4 stars). 4 submissions from 4 submitters: Likely benign (4). Last evaluated 2025-11-12.

Conditions:
ARHGEF10-related disorder. Also called: ARHGEF10-related condition.

Allele frequency attached by ClinVar (database versions not stated): ExAC 0.00040; gnomAD exomes 0.00042; gnomAD 0.00058 and 0.00059; 1000 Genomes Project 30x 0.00062; TOPMed 0.00066; 1000 Genomes Project 0.00080; ESP Exome Variant Server 0.00085.
gnomAD v4.1: 1,119 of 1,593,486 alleles (0.07%); highest among the groups gnomAD compares: Non-Finnish European, 0.087%; 3 homozygotes.

Submissions (4):

Labcorp Genetics (formerly Invitae), Labcorp
Classification: Likely benign. Last evaluated: 2025-11-12. Review status: criteria provided, single submitter. Criteria: Invitae Variant Classification Sherloc (09022015). Collection method: clinical testing. Allele origin: germline.

CeGaT Center for Human Genetics Tuebingen
Classification: Likely benign. Last evaluated: 2025-08-01. Review status: criteria provided, single submitter. Criteria: CeGaT Center For Human Genetics Tuebingen Variant Classification Criteria Version 2. Collection method: clinical testing. Allele origin: germline. Affected: yes. Observed: 3 variant alleles.
Comment: ARHGEF10: BP4, BS1:Supporting

PreventionGenetics, part of Exact Sciences
Classification: Likely benign for ARHGEF10-related condition. Last evaluated: 2025-02-06. Review status: criteria provided, single submitter. Criteria: ACMG Guidelines, 2015. Collection method: clinical testing. Allele origin: germline.
Comment: This variant is classified as likely benign based on ACMG/AMP sequence variant interpretation guidelines (Richards et al. 2015 PMID: 25741868, with internal and published modifications).

Blueprint Genetics
Classification: Likely benign. Last evaluated: 2024-11-26. Review status: criteria provided, single submitter. Criteria: ACMG Guidelines, 2015. Collection method: clinical testing. Allele origin: germline.